The following is an entry in ClinVar:

NM_017534.6(MYH2):c.3751C>G (p.Leu1251Val)

Genes: MYH2 (myosin heavy chain 2; minus strand), MYHAS (myosin heavy chain gene cluster antisense RNA; plus strand). Cytogenetic location: 17p13.1.
Variant type: single nucleotide variant.
Coding change: c.3751C>G on transcript NM_017534.6 (MANE Select); coding-DNA position 3751, C replaced by G.
Protein change: p.Leu1251Val; replaces leucine 1251 with valine.
Molecular consequence: missense variant.
Genome position (GRCh38, 1-based): chr17:10,527,868, G>C on the plus strand (C>G on the coding strand, the complement: MYH2 is on the minus strand). VCF-style: chr17-10527868-G-C. GRCh37 (hg19) VCF-style: chr17-10431185-G-C.
Other names: c.3751C>G, p.Leu1251Val (NM_001100112.2); c.3751C>G (NM_017534.5); short protein forms L1251V.
Identifiers: ClinVar variation 1402748 (VCV001402748.9), dbSNP rs774428848, ClinGen allele CA8390807.

ClinVar aggregate classification (germline): Uncertain significance. Review status: criteria provided, multiple submitters, no conflicts (2 of 4 stars). 2 submissions from 2 submitters: Uncertain significance (2). Last evaluated 2024-09-27.

Conditions:
Inborn genetic diseases. Identifiers: MedGen C0950123, MeSH D030342.
Myopathy, proximal, and ophthalmoplegia (CMYO6). Also called: CONGENITAL MYOPATHY 6 WITH OPHTHALMOPLEGIA; MYOPATHY WITH CONGENITAL JOINT CONTRACTURES, OPHTHALMOPLEGIA, AND RIMMED VACUOLES; INCLUSION BODY MYOPATHY 3, AUTOSOMAL DOMINANT. Identifiers: Orphanet 363677, Orphanet 79091, MedGen C1854106, MONDO:0011577, OMIM 605637.

Allele frequency attached by ClinVar (database versions not stated): TOPMed below 0.00001; gnomAD exomes 0.00005; ExAC 0.00007.
gnomAD v4.1: 49 of 1,613,170 alleles (0.003%); highest among the groups gnomAD compares: East Asian, 0.11%; 1 homozygote.

Submissions (2):

Ambry Genetics
Classification: Uncertain significance for Inborn genetic diseases. Last evaluated: 2024-09-27. Review status: criteria provided, single submitter. Criteria: Ambry Variant Classification Scheme 2023. Collection method: clinical testing. Allele origin: germline.

Labcorp Genetics (formerly Invitae), Labcorp
Classification: Uncertain significance for Myopathy, proximal, and ophthalmoplegia. Last evaluated: 2022-07-11. Review status: criteria provided, single submitter. Criteria: Invitae Variant Classification Sherloc (09022015). Collection method: clinical testing. Allele origin: germline.
Comment: In summary, the available evidence is currently insufficient to determine the role of this variant in disease. Therefore, it has been classified as a Variant of Uncertain Significance. This sequence change replaces leucine, which is neutral and non-polar, with valine, which is neutral and non-polar, at codon 1251 of the MYH2 protein (p.Leu1251Val). This variant is present in population databases (rs774428848, gnomAD 0.07%). This variant has not been reported in the literature in individuals affected with MYH2-related conditions. ClinVar contains an entry for this variant (Variation ID: 1402748). Algorithms developed to predict the effect of missense changes on protein structure and function are either unavailable or do not agree on the potential impact of this missense change (SIFT: "Deleterious"; PolyPhen-2: "Benign"; Align-GVGD: "Class C25").